The following is an entry in ClinVar:

NM_004006.3(DMD):c.1015G>C (p.Val339Leu)

Gene: DMD (dystrophin; minus strand). Cytogenetic location: Xp21.1.
Variant type: single nucleotide variant.
Coding change: c.1015G>C on transcript NM_004006.3 (MANE Select); coding-DNA position 1015, G replaced by C.
Protein change: p.Val339Leu; replaces valine 339 with leucine.
Molecular consequence: missense variant.
Genome position (GRCh38, 1-based): chrX:32,645,098, C>G on the plus strand (G>C on the coding strand, the complement: DMD is on the minus strand). VCF-style: chrX-32645098-C-G. GRCh37 (hg19) VCF-style: chrX-32663215-C-G.
Other names: c.991G>C, p.Val331Leu (NM_000109.4); c.1003G>C, p.Val335Leu (NM_004009.3); c.646G>C, p.Val216Leu (NM_004010.3); short protein forms V335L, V216L, V331L, V339L.
Identifiers: ClinVar variation 3686150 (VCV003686150.2).

ClinVar aggregate classification (germline): Uncertain significance (1 of 4 stars; one submission).

Conditions:
Duchenne muscular dystrophy (DMD). Also called: MUSCULAR DYSTROPHY, PSEUDOHYPERTROPHIC PROGRESSIVE, DUCHENNE TYPE; Duchenne Muscular Dystrophy (DMD). Identifiers: Orphanet 98896, MedGen C0013264, MONDO:0010679, OMIM 310200.

Submission:

Labcorp Genetics (formerly Invitae), Labcorp
Classification: Uncertain significance for Duchenne muscular dystrophy. Last evaluated: 2024-06-03. Review status: criteria provided, single submitter. Criteria: Invitae Variant Classification Sherloc (09022015). Collection method: clinical testing. Allele origin: germline.
Comment: This sequence change replaces valine, which is neutral and non-polar, with leucine, which is neutral and non-polar, at codon 339 of the DMD protein (p.Val339Leu). This variant is not present in population databases (gnomAD no frequency). This variant has not been reported in the literature in individuals affected with DMD-related conditions. Advanced modeling of protein sequence and biophysical properties (such as structural, functional, and spatial information, amino acid conservation, physicochemical variation, residue mobility, and thermodynamic stability) performed at Invitae indicates that this missense variant is not expected to disrupt DMD protein function with a negative predictive value of 95%. In summary, the available evidence is currently insufficient to determine the role of this variant in disease. Therefore, it has been classified as a Variant of Uncertain Significance.